The following is an entry in ClinVar:

ClinVar aggregate classification (germline): Uncertain significance. Review status: criteria provided, multiple submitters, no conflicts (2 of 4 stars). 4 submissions from 4 submitters: Uncertain significance (4). Last evaluated 2025-07-14.

Conditions:
Cardiovascular phenotype. Identifiers: MedGen CN230736.
Myofibrillar myopathy 5. Also called: Filaminopathy (type); FILAMINOPATHY, AUTOSOMAL DOMINANT. Identifiers: Orphanet 171445, MedGen C1836050, MONDO:0012289, OMIM 609524.
Hypertrophic cardiomyopathy 26. Also called: Cardiomyopathy, familial hypertrophic, 26. Identifiers: Orphanet 75249, MedGen C4310749, MONDO:0014883, OMIM 617047.
Distal myopathy with posterior leg and anterior hand involvement. Also called: WILLIAMS DISTAL MYOPATHY. Identifiers: Orphanet 63273, MedGen C3279722, MONDO:0013550, OMIM 614065.

Allele frequency attached by ClinVar (database versions not stated): gnomAD exomes below 0.00001 and 0.00002; TOPMed below 0.00001; gnomAD 0.00001.
gnomAD v4.1: 23 of 1,613,814 alleles (0.0014%); highest among the groups gnomAD compares: Non-Finnish European, 0.0019%; no homozygotes.

Submissions (4):

Labcorp Genetics (formerly Invitae), Labcorp
Classification: Uncertain significance for Distal myopathy with posterior leg and anterior hand involvement; Myofibrillar myopathy 5; Hypertrophic cardiomyopathy 26. Last evaluated: 2025-07-14. Review status: criteria provided, single submitter. Criteria: Invitae Variant Classification Sherloc (09022015). Collection method: clinical testing. Allele origin: germline.
Comment: This sequence change replaces alanine, which is neutral and non-polar, with valine, which is neutral and non-polar, at codon 1298 of the FLNC protein (p.Ala1298Val). This variant is present in population databases (no rsID available, gnomAD 0.0009%). This variant has not been reported in the literature in individuals affected with FLNC-related conditions. ClinVar contains an entry for this variant (Variation ID: 424359). Invitae Evidence Modeling of protein sequence and biophysical properties (such as structural, functional, and spatial information, amino acid conservation, physicochemical variation, residue mobility, and thermodynamic stability) has been performed for this missense variant. However, the output from this modeling did not meet the statistical confidence thresholds required to predict the impact of this variant on FLNC protein function. In summary, the available evidence is currently insufficient to determine the role of this variant in disease. Therefore, it has been classified as a Variant of Uncertain Significance.

Ambry Genetics
Classification: Uncertain significance for Cardiovascular phenotype. Last evaluated: 2021-09-21. Review status: criteria provided, single submitter. Criteria: Ambry Variant Classification Scheme 2023. Collection method: clinical testing. Allele origin: germline.
Comment: The p.A1298V variant (also known as c.3893C>T), located in coding exon 22 of the FLNC gene, results from a C to T substitution at nucleotide position 3893. The alanine at codon 1298 is replaced by valine, an amino acid with similar properties. This amino acid position is conserved. In addition, this alteration is predicted to be tolerated by in silico analysis. Since supporting evidence is limited at this time, the clinical significance of this alteration remains unclear.

Fulgent Genetics
Classification: Uncertain significance for Myofibrillar myopathy 5; Distal myopathy with posterior leg and anterior hand involvement; Hypertrophic cardiomyopathy 26. Last evaluated: 2021-08-03. Review status: criteria provided, single submitter. Criteria: ACMG Guidelines, 2015. Collection method: clinical testing. Allele origin: unknown.

GeneDx
Classification: Uncertain significance. Last evaluated: 2017-03-22. Review status: criteria provided, single submitter. Criteria: GeneDx Variant Classification (06012015). Collection method: clinical testing. Allele origin: germline. Affected: yes.
Comment: The A1298V variant in the FLNC gene has not been reported previously as a pathogenic variant, nor as a benign variant, to our knowledge. This variant is not observed in large population cohorts (Lek et al., 2016; 1000 Genomes Consortium et al., 2015; Exome Variant Server). The A1298V variant is a conservative amino acid substitution, which is not likely to impact secondary protein structure as these residues share similar properties. This substitution occurs at a position that is conserved in mammals. In silico analysis is inconsistent in its predictions as to whether or not the variant is damaging to the protein structure/function. We interpret A1298V as a variant of uncertain significance.

NM_001458.5(FLNC):c.3893C>T (p.Ala1298Val)

Gene: FLNC (filamin C; plus strand). Cytogenetic location: 7q32.1.
Variant type: single nucleotide variant.
Coding change: c.3893C>T on transcript NM_001458.5 (MANE Select); coding-DNA position 3893, C replaced by T.
Protein change: p.Ala1298Val; replaces alanine 1298 with valine.
Molecular consequence: missense variant.
Genome position (GRCh38, 1-based): chr7:128,846,092, C>T. VCF-style: chr7-128846092-C-T. GRCh37 (hg19) VCF-style: chr7-128486146-C-T.
Other names: c.3893C>T, p.Ala1298Val (NM_001127487.2); short protein forms A1298V.
Identifiers: ClinVar variation 424359 (VCV000424359.12), dbSNP rs1064796931, ClinGen allele CA16618353.